The following is an entry in ClinVar:

NM_177402.5(SYT2):c.652G>A (p.Gly218Arg)

Gene: SYT2 (synaptotagmin 2; minus strand). Cytogenetic location: 1q32.1.
Variant type: single nucleotide variant.
Coding change: c.652G>A on transcript NM_177402.5 (MANE Select); coding-DNA position 652, G replaced by A.
Protein change: p.Gly218Arg; replaces glycine 218 with arginine.
Molecular consequence: missense variant.
Genome position (GRCh38, 1-based): chr1:202,602,039, C>T on the plus strand (G>A on the coding strand, the complement: SYT2 is on the minus strand). VCF-style: chr1-202602039-C-T. GRCh37 (hg19) VCF-style: chr1-202571167-C-T.
Other names: c.652G>A, p.Gly218Arg (NM_001136504.1); short protein forms G218R.
Identifiers: ClinVar variation 2010032 (VCV002010032.4), dbSNP rs2526970021, ClinGen allele CA344257645.

ClinVar aggregate classification (germline): Uncertain significance (1 of 4 stars; one submission).

Submission:

Labcorp Genetics (formerly Invitae), Labcorp
Classification: Uncertain significance. Last evaluated: 2022-10-15. Review status: criteria provided, single submitter. Criteria: Invitae Variant Classification Sherloc (09022015). Collection method: clinical testing. Allele origin: germline.
Comment: In summary, the available evidence is currently insufficient to determine the role of this variant in disease. Therefore, it has been classified as a Variant of Uncertain Significance. Advanced modeling of protein sequence and biophysical properties (such as structural, functional, and spatial information, amino acid conservation, physicochemical variation, residue mobility, and thermodynamic stability) performed at Invitae indicates that this missense variant is not expected to disrupt SYT2 protein function. This variant has not been reported in the literature in individuals affected with SYT2-related conditions. This variant is not present in population databases (gnomAD no frequency). This sequence change replaces glycine, which is neutral and non-polar, with arginine, which is basic and polar, at codon 218 of the SYT2 protein (p.Gly218Arg).